The following is an entry in ClinVar:

ClinVar aggregate classification (germline): Conflicting classifications of pathogenicity. Review status: criteria provided, conflicting classifications (1 of 4 stars). 5 submissions from 5 submitters: Uncertain significance (4); Likely benign (1). Last evaluated 2026-02-27.

Conditions:
Hereditary cancer-predisposing syndrome. Also called: Hereditary Cancer Syndrome; Hereditary neoplastic syndrome; Neoplastic Syndromes, Hereditary; Tumor predisposition. Identifiers: Orphanet 140162, MedGen C0027672, MeSH D009386, MONDO:0015356.
Hereditary breast ovarian cancer syndrome. Also called: Hereditary breast and ovarian cancer syndrome (HBOC); Hereditary breast and ovarian cancer syndrome; Hereditary breast and/or ovarian cancer syndrome; Breast and ovarian cancer; BRCA1- and BRCA2-Associated Hereditary Breast and Ovarian Cancer; Hereditary breast and ovarian cancer. Identifiers: Orphanet 145, MedGen C0677776, MeSH D061325, MONDO:0003582. Disease mechanism: loss of function.

Submissions (5):

Ambry Genetics
Classification: Uncertain significance for Hereditary cancer-predisposing syndrome. Last evaluated: 2026-02-27. Review status: criteria provided, single submitter. Criteria: Ambry Variant Classification Scheme 2023. Collection method: clinical testing. Allele origin: germline.
Comment: The p.F625C variant (also known as c.1874T>G), located in coding exon 9 of the BRCA2 gene, results from a T to G substitution at nucleotide position 1874. The phenylalanine at codon 625 is replaced by cysteine, an amino acid with highly dissimilar properties. This amino acid position is conserved. In addition, this alteration is predicted to be tolerated by in silico analysis. Based on the available evidence, the clinical significance of this variant remains unclear.

Women's Health and Genetics/Laboratory Corporation of America, LabCorp
Classification: Uncertain significance. Last evaluated: 2026-01-30. Review status: criteria provided, single submitter. Criteria: LabCorp Variant Classification Summary - May 2015. Collection method: clinical testing. Allele origin: germline.

University of Washington Department of Laboratory Medicine, University of Washington
Classification: Likely benign for Hereditary cancer-predisposing syndrome. Last evaluated: 2023-03-23. Review status: criteria provided, single submitter. Criteria: Dines et al. (Genet Med. 2020). Collection method: curation. Allele origin: germline.
Comment: Missense variant in a coldspot region where missense variants are very unlikely to be pathogenic (PMID:31911673).

BRCA2 exon 10 coldspot. Reclassification based on statistical prior probability.

Labcorp Genetics (formerly Invitae), Labcorp
Classification: Uncertain significance for Hereditary breast ovarian cancer syndrome. Last evaluated: 2022-04-15. Review status: criteria provided, single submitter. Criteria: Invitae Variant Classification Sherloc (09022015). Collection method: clinical testing. Allele origin: germline.
Comment: In summary, the available evidence is currently insufficient to determine the role of this variant in disease. Therefore, it has been classified as a Variant of Uncertain Significance. Advanced modeling of protein sequence and biophysical properties (such as structural, functional, and spatial information, amino acid conservation, physicochemical variation, residue mobility, and thermodynamic stability) performed at Invitae indicates that this missense variant is not expected to disrupt BRCA2 protein function. ClinVar contains an entry for this variant (Variation ID: 89043). This variant has not been reported in the literature in individuals affected with BRCA2-related conditions. This variant is not present in population databases (gnomAD no frequency). This sequence change replaces phenylalanine, which is neutral and non-polar, with cysteine, which is neutral and slightly polar, at codon 625 of the BRCA2 protein (p.Phe625Cys).

Color Diagnostics, LLC DBA Color Health
Classification: Uncertain significance for Hereditary cancer-predisposing syndrome. Last evaluated: 2019-06-05. Review status: criteria provided, single submitter. Criteria: ACMG Guidelines, 2015. Collection method: clinical testing. Allele origin: germline.

NM_000059.4(BRCA2):c.1874T>G (p.Phe625Cys)

Gene: BRCA2 (BRCA2 DNA repair associated; plus strand). Cytogenetic location: 13q13.1.
Variant type: single nucleotide variant.
Coding change: c.1874T>G on transcript NM_000059.4 (MANE Select); coding-DNA position 1874, T replaced by G.
Protein change: p.Phe625Cys; replaces phenylalanine 625 with cysteine.
Molecular consequence: missense variant.
Genome position (GRCh38, 1-based): chr13:32,333,352, T>G. VCF-style: chr13-32333352-T-G. GRCh37 (hg19) VCF-style: chr13-32907489-T-G.
Other names: short protein forms F625C.
Identifiers: ClinVar variation 89043 (VCV000089043.15), dbSNP rs587779359, ClinGen allele CA013677.